The following is an entry in ClinVar:

ClinVar aggregate classification (germline): Uncertain significance. Review status: criteria provided, multiple submitters, no conflicts (2 of 4 stars). 2 submissions from 2 submitters: Uncertain significance (2). Last evaluated 2025-05-07.

Conditions:
Hereditary cancer-predisposing syndrome. Also called: Tumor predisposition; Hereditary Cancer Syndrome; Neoplastic Syndromes, Hereditary; Hereditary neoplastic syndrome. Identifiers: Orphanet 140162, MedGen C0027672, MeSH D009386, MONDO:0015356.

Allele frequency attached by ClinVar (database versions not stated): gnomAD 0.00001.
gnomAD v4.1: 2 of 1,613,936 alleles (0.00012%); highest among the groups gnomAD compares: Non-Finnish European, 0.00017%; no homozygotes.

Submissions (2):

Ambry Genetics
Classification: Uncertain significance for Hereditary cancer-predisposing syndrome. Last evaluated: 2025-05-07. Review status: criteria provided, single submitter. Criteria: Ambry Variant Classification Scheme 2023. Collection method: clinical testing. Allele origin: germline.
Comment: The p.L906F variant (also known as c.2718G>T), located in coding exon 17 of the ATM gene, results from a G to T substitution at nucleotide position 2718. The leucine at codon 906 is replaced by phenylalanine, an amino acid with highly similar properties. This amino acid position is poorly conserved in available vertebrate species. In addition, this alteration is predicted to be tolerated by in silico analysis. Based on the available evidence, the clinical significance of this variant remains unclear.

GeneDx
Classification: Uncertain significance. Last evaluated: 2023-11-07. Review status: criteria provided, single submitter. Criteria: GeneDx Variant Classification Process June 2021. Collection method: clinical testing. Allele origin: germline. Affected: yes.
Comment: Not observed at significant frequency in large population cohorts (gnomAD); In silico analysis supports that this missense variant does not alter protein structure/function; Has not been previously published as pathogenic or benign to our knowledge

NM_000051.4(ATM):c.2718G>T (p.Leu906Phe)

Gene: ATM (ATM serine/threonine kinase; plus strand). Cytogenetic location: 11q22.3.
Variant type: single nucleotide variant.
Coding change: c.2718G>T on transcript NM_000051.4 (MANE Select); coding-DNA position 2718, G replaced by T.
Protein change: p.Leu906Phe; replaces leucine 906 with phenylalanine.
Molecular consequence: missense variant.
Genome position (GRCh38, 1-based): chr11:108,268,489, G>T. VCF-style: chr11-108268489-G-T. GRCh37 (hg19) VCF-style: chr11-108139216-G-T.
Other names: c.2718G>T, p.Leu906Phe (NM_001351834.2); short protein forms L906F.
Identifiers: ClinVar variation 1795139 (VCV001795139.4), dbSNP rs767207624, ClinGen allele CA382545302.
Genomic context (GRCh38, chr11:108,268,489, plus strand): 5'-TGAAGAATATCTGTCAAAGCAAGATCTACTTTTCTTAGACATGCTCAAGTTCTTGTGTTT[G>T]TGTGTAACTACTGCTCAGACCAATACTGTGTCCTTTAGGGCAGCTGATATTCGGAGGAAA-3'
Protein context (NP_000042.3, residues 896-916): LFLDMLKFLC[Leu906Phe]CVTTAQTNTV